The following is an entry in ClinVar:

ClinVar aggregate classification (germline): Uncertain significance. Review status: criteria provided, multiple submitters, no conflicts (2 of 4 stars). 4 submissions from 3 submitters: Uncertain significance (4). Last evaluated 2025-03-18.

Conditions:
Inborn genetic diseases. Identifiers: MedGen C0950123, MeSH D030342.
Usher syndrome type 2A. Also called: USHER SYNDROME, TYPE IIA; RETINAL DISEASE IN USHER SYNDROME TYPE IIA, MODIFIER OF. Identifiers: Orphanet 231178, Orphanet 886, MedGen C1848634, MONDO:0010169, OMIM 276901.
Retinitis pigmentosa 39 (RP39). Identifiers: Orphanet 791, MedGen C3151138, MONDO:0013436, OMIM 613809.

Allele frequency attached by ClinVar (database versions not stated): gnomAD exomes below 0.00001; TOPMed below 0.00001.
gnomAD v4.1: 1 of 1,612,572 alleles (0.000062%); highest among the groups gnomAD compares: African/African-American, 0.0013%; no homozygotes.

Submissions (4):

Ambry Genetics
Classification: Uncertain significance for Inborn genetic diseases. Last evaluated: 2025-03-18. Review status: criteria provided, single submitter. Criteria: Ambry Variant Classification Scheme 2023. Collection method: clinical testing. Allele origin: germline.

Genome-Nilou Lab
Classification: Uncertain significance for Retinitis pigmentosa 39. Last evaluated: 2023-11-04. Review status: criteria provided, single submitter. Criteria: ACMG Guidelines, 2015. Collection method: clinical testing. Allele origin: germline. Affected: no.

Genome-Nilou Lab
Classification: Uncertain significance for Usher syndrome type 2A. Last evaluated: 2023-11-04. Review status: criteria provided, single submitter. Criteria: ACMG Guidelines, 2015. Collection method: clinical testing. Allele origin: germline. Affected: no.

Labcorp Genetics (formerly Invitae), Labcorp
Classification: Uncertain significance. Last evaluated: 2022-07-02. Review status: criteria provided, single submitter. Criteria: Invitae Variant Classification Sherloc (09022015). Collection method: clinical testing. Allele origin: germline.
Comment: This sequence change replaces isoleucine, which is neutral and non-polar, with valine, which is neutral and non-polar, at codon 1274 of the USH2A protein (p.Ile1274Val). This variant is not present in population databases (gnomAD no frequency). This variant has not been reported in the literature in individuals affected with USH2A-related conditions. Algorithms developed to predict the effect of missense changes on protein structure and function output the following: SIFT: "Deleterious"; PolyPhen-2: "Benign"; Align-GVGD: "Class C0". The valine amino acid residue is found in multiple mammalian species, which suggests that this missense change does not adversely affect protein function. Algorithms developed to predict the effect of sequence changes on RNA splicing suggest that this variant may create or strengthen a splice site. In summary, the available evidence is currently insufficient to determine the role of this variant in disease. Therefore, it has been classified as a Variant of Uncertain Significance.

NM_206933.4(USH2A):c.3820A>G (p.Ile1274Val)

Genes: USH2A (usherin; minus strand), USH2A-AS1 (USH2A antisense RNA 1; plus strand). Cytogenetic location: 1q41.
Variant type: single nucleotide variant.
Coding change: c.3820A>G on transcript NM_206933.4 (MANE Select); coding-DNA position 3820, A replaced by G.
Protein change: p.Ile1274Val; replaces isoleucine 1274 with valine.
Molecular consequence: missense variant.
Genome position (GRCh38, 1-based): chr1:216,198,576, T>C on the plus strand (A>G on the coding strand, the complement: USH2A is on the minus strand). VCF-style: chr1-216198576-T-C. GRCh37 (hg19) VCF-style: chr1-216371918-T-C.
Other names: c.3820A>G, p.Ile1274Val (NM_007123.6); short protein forms I1274V.
Identifiers: ClinVar variation 2068219 (VCV002068219.4), dbSNP rs989235522, ClinGen allele CA37503942.